The following is an entry in ClinVar:

NM_152309.3(PIK3AP1):c.2273G>A (p.Arg758His)

Gene: PIK3AP1 (phosphoinositide-3-kinase adaptor protein 1; minus strand). Cytogenetic location: 10q24.1.
Variant type: single nucleotide variant.
Coding change: c.2273G>A on transcript NM_152309.3 (MANE Select); coding-DNA position 2273, G replaced by A.
Protein change: p.Arg758His; replaces arginine 758 with histidine.
Molecular consequence: missense variant.
Genome position (GRCh38, 1-based): chr10:96,602,367, C>T on the plus strand (G>A on the coding strand, the complement: PIK3AP1 is on the minus strand). VCF-style: chr10-96602367-C-T. GRCh37 (hg19) VCF-style: chr10-98362124-C-T.
Other names: short protein forms R758H.
Identifiers: ClinVar variation 541746 (VCV000541746.9), dbSNP rs765634361, ClinGen allele CA5626002.

ClinVar aggregate classification (germline): Uncertain significance. Review status: criteria provided, multiple submitters, no conflicts (2 of 4 stars). 2 submissions from 2 submitters: Uncertain significance (2). Last evaluated 2025-09-09.

Conditions:
Infantile spasms. Also called: Infantile spasm. Identifiers: MedGen C3887898, HP:0012469.

Allele frequency attached by ClinVar (database versions not stated): gnomAD exomes 0.00001 and 0.00002; ExAC 0.00002; gnomAD 0.00005; TOPMed 0.00006.
gnomAD v4.1: 23 of 1,611,970 alleles (0.0014%); highest among the groups gnomAD compares: East Asian, 0.013%; no homozygotes.

Submissions (2):

Labcorp Genetics (formerly Invitae), Labcorp
Classification: Uncertain significance for Infantile spasms. Last evaluated: 2025-09-09. Review status: criteria provided, single submitter. Criteria: Invitae Variant Classification Sherloc (09022015). Collection method: clinical testing. Allele origin: germline.
Comment: This sequence change replaces arginine, which is basic and polar, with histidine, which is basic and polar, at codon 758 of the PIK3AP1 protein (p.Arg758His). This variant is present in population databases (rs765634361, gnomAD 0.02%). This variant has not been reported in the literature in individuals affected with PIK3AP1-related conditions. ClinVar contains an entry for this variant (Variation ID: 541746). An algorithm developed to predict the effect of missense changes on protein structure and function (PolyPhen-2) suggests that this variant is likely to be tolerated. In summary, the available evidence is currently insufficient to determine the role of this variant in disease. Therefore, it has been classified as a Variant of Uncertain Significance.

Ambry Genetics
Classification: Uncertain significance. Last evaluated: 2024-12-03. Review status: criteria provided, single submitter. Criteria: Ambry Variant Classification Scheme 2023. Collection method: clinical testing. Allele origin: germline.